The following is an entry in ClinVar:

ClinVar aggregate classification (germline): Benign/Likely benign. Review status: criteria provided, multiple submitters, no conflicts (2 of 4 stars). 2 submissions from 2 submitters: Benign (1); Likely benign (1). Last evaluated 2025-03-01.

Allele frequency attached by ClinVar (database versions not stated): 1000 Genomes Project 0.00300; ExAC 0.00317; 1000 Genomes Project 30x 0.00328; gnomAD exomes 0.00334 and 0.00628; gnomAD 0.00409 and 0.00470; ESP Exome Variant Server 0.00415; TOPMed 0.00504.
gnomAD v4.1: 9,847 of 1,607,314 alleles (0.61%); highest among the groups gnomAD compares: Non-Finnish European, 0.75%; 53 homozygotes.

Submissions (2):

CeGaT Center for Human Genetics Tuebingen
Classification: Likely benign. Last evaluated: 2025-03-01. Review status: criteria provided, single submitter. Criteria: CeGaT Center For Human Genetics Tuebingen Variant Classification Criteria Version 2. Collection method: clinical testing. Allele origin: germline. Affected: yes. Observed: 1 variant allele.
Comment: ZNF536: BP4, BS2

Labcorp Genetics (formerly Invitae), Labcorp
Classification: Benign. Last evaluated: 2017-09-07. Review status: criteria provided, single submitter. Criteria: Invitae Variant Classification Sherloc (09022015). Collection method: clinical testing. Allele origin: germline.

NM_014717.3(ZNF536):c.2171-7G>A

Gene: ZNF536 (zinc finger protein 536; plus strand). Cytogenetic location: 19q12.
Variant type: single nucleotide variant.
Coding change: c.2171-7G>A on transcript NM_014717.3 (MANE Select); 7 bases into the intron before coding-DNA position 2171, G replaced by A.
Molecular consequence: intron variant.
Genome position (GRCh38, 1-based): chr19:30,534,840, G>A. VCF-style: chr19-30534840-G-A. GRCh37 (hg19) VCF-style: chr19-31025747-G-A.
Other names: c.2171-7G>A (NM_001376110.1, NM_001376111.1, NM_001352260.2).
Identifiers: ClinVar variation 708625 (VCV000708625.10), dbSNP rs117798694, ClinGen allele CA9353491.